The following is an entry in ClinVar:

ClinVar aggregate classification (germline): Pathogenic/Likely pathogenic. Review status: criteria provided, multiple submitters, no conflicts (2 of 4 stars). 3 submissions from 3 submitters: Pathogenic (2); Likely pathogenic (1). Last evaluated 2025-09-09.

Conditions:
Inborn genetic diseases. Identifiers: MedGen C0950123, MeSH D030342.

Allele frequency attached by ClinVar (database versions not stated): gnomAD exomes 0.00001; ExAC 0.00002; gnomAD 0.00006; TOPMed 0.00009.

Submissions (3):

Mayo Clinic Laboratories, Mayo Clinic
Classification: Likely pathogenic. Last evaluated: 2025-09-09. Review status: criteria provided, single submitter. Criteria: ACMG Guidelines, 2015. Collection method: clinical testing. Allele origin: germline. Observed: 1 variant allele.
Comment: PM2_supporting, PVS1

Labcorp Genetics (formerly Invitae), Labcorp
Classification: Pathogenic. Last evaluated: 2025-05-11. Review status: criteria provided, single submitter. Criteria: Invitae Variant Classification Sherloc (09022015). Collection method: clinical testing. Allele origin: germline.
Comment: This sequence change creates a premature translational stop signal (p.Pro979Argfs*86) in the MCM3AP gene. It is expected to result in an absent or disrupted protein product. Loss-of-function variants in MCM3AP are known to be pathogenic (PMID: 28633435). This variant is present in population databases (rs775414084, gnomAD 0.003%). This variant has not been reported in the literature in individuals affected with MCM3AP-related conditions. ClinVar contains an entry for this variant (Variation ID: 2357376). For these reasons, this variant has been classified as Pathogenic.

Ambry Genetics
Classification: Pathogenic for Inborn genetic diseases. Last evaluated: 2022-08-17. Review status: criteria provided, single submitter. Criteria: Ambry Variant Classification Scheme 2023. Collection method: clinical testing. Allele origin: germline.
Comment: The c.2936_2937delCT (p.P979Rfs*86) alteration, located in exon 11 (coding exon 11) of the MCM3AP gene, consists of a deletion of 2 nucleotides from position 2936 to 2937, causing a translational frameshift with a predicted alternate stop codon after 86 amino acids. This alteration is expected to result in loss of function by premature protein truncation or nonsense-mediated mRNA decay. Based on data from gnomAD, this allele has an overall frequency of <0.01% (5/250200) total alleles studied. The highest observed frequency was 0.01% (1/18380) of East Asian alleles. Based on the available evidence, this alteration is classified as pathogenic.

Literature cited by the submitters: PubMed 28633435 (cited by Labcorp Genetics (formerly Invitae), Labcorp).

NM_003906.5(MCM3AP):c.2936_2937del (p.Pro979fs)

Gene: MCM3AP (minichromosome maintenance complex component 3 associated protein; minus strand). Cytogenetic location: 21q22.3.
Variant type: Deletion.
Coding change: c.2936_2937del on transcript NM_003906.5 (MANE Select); coding-DNA positions 2936 to 2937, 2 bases deleted (CT; older notation c.2936_2937delCT).
Protein change: p.Pro979fs; shifts the reading frame from proline 979.
Molecular consequence: frameshift variant.
Genome position (GRCh38, 1-based): chr21:46,266,019-46,266,020, AG deleted on the plus strand (CT on the coding strand, the reverse complement: MCM3AP is on the minus strand). VCF-style (leftmost placement, unchanged base first): chr21-46266018-CAG-C. GRCh37 (hg19) VCF-style: chr21-47685932-CAG-C.
Other names: p.Pro979Argfs*86; short protein forms P979fs.
Identifiers: ClinVar variation 2357376 (VCV002357376.5), dbSNP rs775414084, ClinGen allele CA10076682.